The following is an entry in ClinVar:

ClinVar aggregate classification (germline): Uncertain significance (1 of 4 stars; one submission).

Conditions:
Hereditary cancer-predisposing syndrome. Also called: Neoplastic Syndromes, Hereditary; Tumor predisposition; Hereditary Cancer Syndrome; Hereditary neoplastic syndrome. Identifiers: Orphanet 140162, MedGen C0027672, MeSH D009386, MONDO:0015356.

Allele frequency attached by ClinVar (database versions not stated): ExAC below 0.00001; gnomAD 0.00001.

Submission:

Ambry Genetics
Classification: Uncertain significance for Hereditary cancer-predisposing syndrome. Last evaluated: 2018-03-16. Review status: criteria provided, single submitter. Criteria: Ambry Variant Classification Scheme 2023. Collection method: clinical testing. Allele origin: germline.
Comment: The p.G75R variant (also known as c.223G>A), located in coding exon 1 of the MSH6 gene, results from a G to A substitution at nucleotide position 223. The glycine at codon 75 is replaced by arginine, an amino acid with dissimilar properties. This amino acid position is not well conserved in available vertebrate species. In addition, this alteration is predicted to be tolerated by in silico analysis. In addition, the CoDP in silico tool predicts this alteration to have minor impact on molecular function, with a score of 0.009 (Terui H et al. J. Biomed. Sci. 2013 Apr;20:25). Since supporting evidence is limited at this time, the clinical significance of this alteration remains unclear.

NM_000179.3(MSH6):c.223G>A (p.Gly75Arg)

Gene: MSH6 (mutS homolog 6; plus strand). Cytogenetic location: 2p16.3.
Variant type: single nucleotide variant.
Coding change: c.223G>A on transcript NM_000179.3 (MANE Select); coding-DNA position 223, G replaced by A.
Protein change: p.Gly75Arg; replaces glycine 75 with arginine.
Molecular consequence: missense variant. On other transcripts: 5 prime UTR variant (1).
Genome position (GRCh38, 1-based): chr2:47,783,456, G>A. VCF-style: chr2-47783456-G-A. GRCh37 (hg19) VCF-style: chr2-48010595-G-A.
Other names: c.223G>A, p.Gly75Arg (NM_001281492.2); c.-514G>A (NM_001281493.2); short protein forms G75R.
Identifiers: ClinVar variation 820941 (VCV000820941.4), dbSNP rs781002816, ClinGen allele CA068652.